The following is an entry in ClinVar:

ClinVar aggregate classification (germline): Benign/Likely benign. Review status: criteria provided, multiple submitters, no conflicts (2 of 4 stars). 17 submissions from 17 submitters: Benign (10); Likely benign (4). 3 of the submissions do not count toward it. Last evaluated 2026-02-04.

Conditions:
Hereditary cancer-predisposing syndrome. Also called: Hereditary Cancer Syndrome; Tumor predisposition; Neoplastic Syndromes, Hereditary; Hereditary neoplastic syndrome. Identifiers: Orphanet 140162, MedGen C0027672, MeSH D009386, MONDO:0015356.
Tuberous sclerosis syndrome (TSC). Also called: Tuberous Sclerosis Complex; Tuberous sclerosis. Identifiers: Orphanet 805, MedGen C0041341, MONDO:0001734.
Tuberous sclerosis 2 (TSC2). Identifiers: Orphanet 805, MedGen C1860707, MONDO:0013199, OMIM 613254.

Allele frequency attached by ClinVar (database versions not stated): 1000 Genomes Project 0.00200; gnomAD 0.00209 and 0.00192; TOPMed 0.00230; gnomAD exomes 0.00056; ExAC 0.00068; ESP Exome Variant Server 0.00262; 1000 Genomes Project 30x 0.00187.
gnomAD v4.1: 818 of 1,611,574 alleles (0.051%); highest among the groups gnomAD compares: African/African-American, 0.7%; 5 homozygotes.

Submissions (17):

Labcorp Genetics (formerly Invitae), Labcorp
Classification: Benign for Tuberous sclerosis 2. Last evaluated: 2026-02-04. Review status: criteria provided, single submitter. Criteria: Invitae Variant Classification Sherloc (09022015). Collection method: clinical testing. Allele origin: germline.

Myriad Genetics, Inc.
Classification: Benign for Tuberous sclerosis 2. Last evaluated: 2025-06-05. Review status: criteria provided, single submitter. Criteria: Myriad Autosomal Dominant, Autosomal Recessive and X-Linked Classification Criteria (2023). Collection method: clinical testing. Allele origin: unknown.
Comment: This variant is considered benign. This variant is a silent/synonymous amino acid change and it is not expected to impact splicing.

Blueprint Genetics
Classification: Likely benign. Last evaluated: 2024-11-15. Review status: criteria provided, single submitter. Criteria: ACMG Guidelines, 2015. Collection method: clinical testing. Allele origin: germline.

Johns Hopkins Genomics, Johns Hopkins University
Classification: Benign for Tuberous sclerosis 2. Last evaluated: 2024-06-26. Review status: criteria provided, single submitter. Criteria: ACMG Guidelines, 2015. Collection method: clinical testing. Allele origin: germline.
Comment: BS1, BS2

All of Us Research Program, National Institutes of Health
Classification: Benign for Tuberous sclerosis syndrome. Last evaluated: 2024-02-05. Review status: criteria provided, single submitter. Criteria: ACMG Guidelines, 2015. Collection method: clinical testing. Allele origin: germline. Inheritance: Autosomal dominant inheritance. Observed: 145 variant alleles, 145 heterozygotes.
Comment: This study involves interpretation of variants in research participants for the purpose of population health screening. Participant phenotype was not available at the time of variant classification. Additional details can be found in publication PMID: 35346344, PMCID: PMC8962531

CeGaT Center for Human Genetics Tuebingen
Classification: Likely benign. Last evaluated: 2024-02-01. Review status: criteria provided, single submitter. Criteria: CeGaT Center For Human Genetics Tuebingen Variant Classification Criteria Version 2. Collection method: clinical testing. Allele origin: germline. Affected: yes. Observed: 2 variant alleles.
Comment: TSC2: BP4, BP7, BS2

Color Diagnostics, LLC DBA Color Health
Classification: Benign for Tuberous sclerosis syndrome. Last evaluated: 2022-09-30. Review status: criteria provided, single submitter. Criteria: ACMG Guidelines, 2015. Collection method: clinical testing. Allele origin: germline.

Genome-Nilou Lab
Classification: Benign for Tuberous sclerosis 2. Last evaluated: 2021-11-07. Review status: criteria provided, single submitter. Criteria: ACMG Guidelines, 2015. Collection method: clinical testing. Allele origin: germline. Affected: no.

Sema4
Classification: Benign for Hereditary cancer-predisposing syndrome. Last evaluated: 2020-10-29. Review status: criteria provided, single submitter. Criteria: Sema4 Curation Guidelines. Collection method: curation. Allele origin: germline.

Illumina Laboratory Services, Illumina
Classification: Likely benign for Tuberous sclerosis syndrome. Last evaluated: 2018-08-22. Review status: criteria provided, single submitter. Criteria: ICSL Variant Classification Criteria 13 December 2019. Collection method: clinical testing. Allele origin: germline.
Comment: This variant was observed as part of a predisposition screen in an ostensibly healthy population. A literature search was performed for the gene, cDNA change, and amino acid change (where applicable). No publications were found based on this search. Allele frequency data from public databases allowed determination this variant is unlikely to cause disease. Therefore, this variant is classified as likely benign.

Athena Diagnostics
Classification: Benign. Last evaluated: 2016-10-17. Review status: criteria provided, single submitter. Criteria: Athena Diagnostics Criteria. Collection method: clinical testing. Allele origin: germline.

Eurofins Ntd Llc (ga)
Classification: Benign. Last evaluated: 2015-11-11. Review status: criteria provided, single submitter. Criteria: EGL Classification Definitions 2015. Collection method: clinical testing. Allele origin: germline. Observed: 1 variant allele, 1 heterozygote.

Ambry Genetics
Classification: Likely benign for Hereditary cancer-predisposing syndrome. Last evaluated: 2014-10-13. Review status: criteria provided, single submitter. Criteria: Ambry Variant Classification Scheme 2023. Collection method: clinical testing. Allele origin: germline.

GeneDx
Classification: Benign. Last evaluated: 2014-03-25. Review status: criteria provided, single submitter. Criteria: GeneDx Variant Classification (06012015). Collection method: clinical testing. Allele origin: germline. Affected: yes.
Comment: This variant is considered likely benign or benign based on one or more of the following criteria: it is a conservative change, it occurs at a poorly conserved position in the protein, it is predicted to be benign by multiple in silico algorithms, and/or has population frequency not consistent with disease.

Clinical Genetics DNA and cytogenetics Diagnostics Lab, Erasmus MC, Erasmus Medical Center
Classification: Benign. Review status: no assertion criteria provided. Collection method: clinical testing. Allele origin: germline. Affected: yes. Study: VKGL Data-share Consensus. Not counted in ClinVar's aggregate classification.

Genome Diagnostics Laboratory, Amsterdam University Medical Center
Classification: Likely benign. Review status: no assertion criteria provided. Collection method: clinical testing. Allele origin: germline. Affected: yes. Study: VKGL Data-share Consensus. Not counted in ClinVar's aggregate classification.

Tuberous sclerosis database (TSC2)
No classification provided. Condition: TSC. Review status: no classification provided. Criteria: Tuberous Sclerosis Database Assertion Criteria 2015. Collection method: curation. Allele origin: germline. Affected: yes. Not counted in ClinVar's aggregate classification.

NM_000548.5(TSC2):c.4908C>T (p.Asp1636=)

Gene: TSC2 (TSC complex subunit 2; plus strand). Cytogenetic location: 16p13.3.
Variant type: single nucleotide variant.
Coding change: c.4908C>T on transcript NM_000548.5 (MANE Select); coding-DNA position 4908, C replaced by T.
Protein change: p.Asp1636=; no amino-acid change (aspartic acid 1636 retained).
Molecular consequence: synonymous variant.
Genome position (GRCh38, 1-based): chr16:2,086,790, C>T. VCF-style: chr16-2086790-C-T. GRCh37 (hg19) VCF-style: chr16-2136791-C-T.
Other names: p.D1636D:GAC>GAT; c.4707C>T, p.Asp1569= (NM_001077183.3); c.4839C>T, p.Asp1613= (NM_001114382.3); c.4599C>T, p.Asp1533= (NM_001318827.2); c.4563C>T, p.Asp1521= (NM_001318829.2); c.4176C>T, p.Asp1392= (NM_001318831.2); c.4740C>T, p.Asp1580= (NM_001318832.2); c.4710C>T, p.Asp1570= (NM_001363528.2); and 3 more.
Identifiers: ClinVar variation 65110 (VCV000065110.56), dbSNP rs115200071, ClinGen allele CA021205.